The following is an entry in ClinVar:

ClinVar aggregate classification (germline): Likely pathogenic (0 of 4 stars; one submission).

Conditions:
Visceral myopathy 1 (VSCM1). Also called: ACTG2 Visceral Myopathy; Visceral myopathy; Infantile visceral myopathy. Identifiers: Orphanet 2604, MedGen C5542197, MONDO:0020754, OMIM 155310.

Submission:

Clinical Neuroscience, Fondazione IRCCS Istituto Neurologico Carlo Besta
Classification: Likely pathogenic for Visceral myopathy 1. Last evaluated: 2025-03-12. Review status: no assertion criteria provided. Collection method: clinical testing. Allele origin: germline. Inheritance: Autosomal dominant inheritance. Affected: yes. Observed: 2 variant alleles, 2 heterozygotes. Clinical features observed: Intestinal pseudo-obstruction (HP:0004389).
Comment: The ACTG2 (NM_001615.4) c.209A>G p.(Tyr70Cys) missense has not, to our knowledge, been reported in the peer-reviewed literature. This variant is not observed in version 2.1.1 of the Genome Aggregation Database. Multiple lines of computational evidence suggest the variant may impact the gene or gene product. Missense variants are a known mechanism of disease. This variant has been identified in two adult probands with a phenotype consistent with chronic intestinal pseudo-obstruction. Based on the available evidence, the c.209A>G p.(Tyr70Cys) variant is classified as likely pathogenic for chronic intestinal pseudo-obstruction. ACMG classifier: PM1, PM2, PP1, PP3

NM_001615.4(ACTG2):c.209A>G (p.Tyr70Cys)

Gene: ACTG2 (actin gamma 2, smooth muscle; plus strand). Cytogenetic location: 2p13.1.
Variant type: single nucleotide variant.
Coding change: c.209A>G on transcript NM_001615.4 (MANE Select); coding-DNA position 209, A replaced by G.
Protein change: p.Tyr70Cys; replaces tyrosine 70 with cysteine.
Molecular consequence: missense variant. On other transcripts: intron variant (1).
Genome position (GRCh38, 1-based): chr2:73,902,442, A>G. VCF-style: chr2-73902442-A-G. GRCh37 (hg19) VCF-style: chr2-74129569-A-G.
Other names: c.126+1005A>G (NM_001199893.2); short protein forms Y70C.
Identifiers: ClinVar variation 3895473 (VCV003895473.1).